The following is an entry in ClinVar:

NM_004100.5(EYA4):c.1204G>T (p.Ala402Ser)

Genes: EYA4 (EYA transcriptional coactivator and phosphatase 4; plus strand), TARID (TCF21 antisense RNA inducing promoter demethylation; minus strand), LOC126859796 (MED14-independent group 3 enhancer GRCh37_chr6:133826289-133827488; plus strand). Cytogenetic location: 6q23.2.
Variant type: single nucleotide variant.
Coding change: c.1204G>T on transcript NM_004100.5 (MANE Select); coding-DNA position 1204, G replaced by T.
Protein change: p.Ala402Ser; replaces alanine 402 with serine.
Molecular consequence: missense variant. On other transcripts: non-coding transcript variant (1).
Genome position (GRCh38, 1-based): chr6:133,506,118, G>T. VCF-style: chr6-133506118-G-T. GRCh37 (hg19) VCF-style: chr6-133827256-G-T.
Other names: c.1042G>T, p.Ala348Ser (NM_001301012.2); c.1222G>T, p.Ala408Ser (NM_001301013.2); c.1135G>T, p.Ala379Ser (NM_001370458.1, NM_172103.4); c.1060G>T, p.Ala354Ser (NM_001370459.1); c.1204G>T, p.Ala402Ser (NM_172105.4); short protein forms A348S, A354S, A402S, A379S, A408S.
Identifiers: ClinVar variation 1748474 (VCV001748474.7), dbSNP rs2128760750, ClinGen allele CA365713435.
Genomic context (GRCh38, chr6:133,506,118, plus strand): 5'-AAGCGCTTACTGAAATTTTACCTCATTATGTGTACATTTTCTTTACAGGATCCCCCCATG[G>T]CTGTAACCCTTGGACTCCGCATGGAAGAAATGATTTTTAATCTTGCTGATACTCATTTGT-3'
Protein context (NP_004091.3, residues 392-412): AQKYGKDPPM[Ala402Ser]VTLGLRMEEM

ClinVar aggregate classification (germline): Uncertain significance. Review status: criteria provided, multiple submitters, no conflicts (2 of 4 stars). 2 submissions from 2 submitters: Uncertain significance (2). Last evaluated 2022-04-19.

Conditions:
Cardiovascular phenotype. Identifiers: MedGen CN230736.
Dilated cardiomyopathy 1J (CMD1J). Also called: CARDIOMYOPATHY, DILATED, WITH SENSORINEURAL HEARING LOSS, AUTOSOMAL DOMINANT. Identifiers: Orphanet 217622, MedGen C1854368, MONDO:0011541, OMIM 605362.

Submissions (2):

Ambry Genetics
Classification: Uncertain significance for Cardiovascular phenotype. Last evaluated: 2022-04-19. Review status: criteria provided, single submitter. Criteria: Ambry Variant Classification Scheme 2023. Collection method: clinical testing. Allele origin: germline.
Comment: The p.A402S variant (also known as c.1204G>T), located in coding exon 13 of the EYA4 gene, results from a G to T substitution at nucleotide position 1204. The alanine at codon 402 is replaced by serine, an amino acid with similar properties. This amino acid position is conserved. In addition, the in silico prediction for this alteration is inconclusive. Since supporting evidence is limited at this time, the clinical significance of this alteration remains unclear.

Labcorp Genetics (formerly Invitae), Labcorp
Classification: Uncertain significance for Dilated cardiomyopathy 1J. Last evaluated: 2022-04-04. Review status: criteria provided, single submitter. Criteria: Invitae Variant Classification Sherloc (09022015). Collection method: clinical testing. Allele origin: germline.
Comment: This sequence change replaces alanine, which is neutral and non-polar, with serine, which is neutral and polar, at codon 402 of the EYA4 protein (p.Ala402Ser). This variant is not present in population databases (gnomAD no frequency). This variant has not been reported in the literature in individuals affected with EYA4-related conditions. Algorithms developed to predict the effect of missense changes on protein structure and function are either unavailable or do not agree on the potential impact of this missense change (SIFT: "Tolerated"; PolyPhen-2: "Possibly Damaging"; Align-GVGD: "Class C15"). In summary, the available evidence is currently insufficient to determine the role of this variant in disease. Therefore, it has been classified as a Variant of Uncertain Significance.